The following is an entry in ClinVar:

NM_032776.3(JMJD1C):c.2702C>T (p.Pro901Leu)

Gene: JMJD1C (jumonji domain containing 1C; minus strand). Cytogenetic location: 10q21.3.
Variant type: single nucleotide variant.
Coding change: c.2702C>T on transcript NM_032776.3 (MANE Select); coding-DNA position 2702, C replaced by T.
Protein change: p.Pro901Leu; replaces proline 901 with leucine.
Molecular consequence: missense variant. On other transcripts: non-coding transcript variant (1).
Genome position (GRCh38, 1-based): chr10:63,209,228, G>A on the plus strand (C>T on the coding strand, the complement: JMJD1C is on the minus strand). VCF-style: chr10-63209228-G-A. GRCh37 (hg19) VCF-style: chr10-64968988-G-A.
Other names: c.2156C>T, p.Pro719Leu (NM_001282948.2, NM_001318154.2); c.1838C>T, p.Pro613Leu (NM_001318153.2); c.2588C>T, p.Pro863Leu (NM_001322252.2); c.2045C>T, p.Pro682Leu (NM_001322254.2, NM_001322258.2); short protein forms P613L, P682L, P719L, P863L, P901L.
Identifiers: ClinVar variation 4891224 (VCV004891224.1).

ClinVar aggregate classification (germline): Uncertain significance (1 of 4 stars; one submission).

Submission:

Greenwood Genetic Center Diagnostic Laboratories, Greenwood Genetic Center
Classification: Uncertain significance. Last evaluated: 2026-04-01. Review status: criteria provided, single submitter. Criteria: ACMG Guidelines, 2015. Collection method: clinical testing. Allele origin: germline.
Comment: Gene of Uncertain Significance